The following is an entry in ClinVar:

ClinVar aggregate classification (germline): Uncertain significance (1 of 4 stars; one submission).

Allele frequency attached by ClinVar (database versions not stated): gnomAD exomes below 0.00001.

Submission:

Labcorp Genetics (formerly Invitae), Labcorp
Classification: Uncertain significance. Last evaluated: 2022-08-29. Review status: criteria provided, single submitter. Criteria: Invitae Variant Classification Sherloc (09022015). Collection method: clinical testing. Allele origin: germline.
Comment: This sequence change affects an acceptor splice site in intron 3 of the TGFB1 gene. It is expected to disrupt RNA splicing. Variants that disrupt the donor or acceptor splice site typically lead to a loss of protein function (PMID: 16199547), however the current clinical and genetic evidence is not sufficient to establish whether loss-of-function variants in TGFB1 cause disease. This variant is not present in population databases (gnomAD no frequency). This variant has not been reported in the literature in individuals affected with TGFB1-related conditions. Algorithms developed to predict the effect of sequence changes on RNA splicing suggest that this variant may disrupt the consensus splice site. In summary, the available evidence is currently insufficient to determine the role of this variant in disease. Therefore, it has been classified as a Variant of Uncertain Significance.

Literature cited by the submitters: PubMed 16199547.

NM_000660.7(TGFB1):c.635-2A>G

Gene: TGFB1 (transforming growth factor beta 1; minus strand). Cytogenetic location: 19q13.2.
Variant type: single nucleotide variant.
Coding change: c.635-2A>G on transcript NM_000660.7 (MANE Select); the canonical splice acceptor site of the intron before coding-DNA position 635, A replaced by G.
Molecular consequence: splice acceptor variant.
Genome position (GRCh38, 1-based): chr19:41,342,249, T>C on the plus strand (A>G on the coding strand, the complement: TGFB1 is on the minus strand). VCF-style: chr19-41342249-T-C. GRCh37 (hg19) VCF-style: chr19-41848154-T-C.
Identifiers: ClinVar variation 2027801 (VCV002027801.4), dbSNP rs2513381845, ClinGen allele CA406000091.